The following is an entry in ClinVar:

NM_152393.4(KLHL40):c.124C>A (p.Arg42Ser)

Gene: KLHL40 (kelch like family member 40; plus strand). Cytogenetic location: 3p22.1.
Variant type: single nucleotide variant.
Coding change: c.124C>A on transcript NM_152393.4 (MANE Select); coding-DNA position 124, C replaced by A.
Protein change: p.Arg42Ser; replaces arginine 42 with serine.
Molecular consequence: missense variant.
Genome position (GRCh38, 1-based): chr3:42,685,742, C>A. VCF-style: chr3-42685742-C-A. GRCh37 (hg19) VCF-style: chr3-42727234-C-A.
Other names: c.124C>A (NM_152393.2); short protein forms R42S.
Identifiers: ClinVar variation 1413197 (VCV001413197.4), dbSNP rs763047874, ClinGen allele CA2336575.
Genomic context (GRCh38, chr3:42,685,742, plus strand): 5'-GGGCTCAAAGACATGCTGGACCATGGCAAGTTCCTCGACTGTGTGGTGCGGGCGGGCGAG[C>A]GCGAGTTCCCGTGCCATCGCCTGGTGCTGGCCGCCTGCAGCCCCTACTTCCGGGCGCGCT-3'
Protein context (NP_689606.2, residues 32-52): FLDCVVRAGE[Arg42Ser]EFPCHRLVLA

ClinVar aggregate classification (germline): Uncertain significance. Review status: criteria provided, multiple submitters, no conflicts (2 of 4 stars). 2 submissions from 2 submitters: Uncertain significance (2). Last evaluated 2024-10-23.

Conditions:
Nemaline myopathy 8 (NEM8). Also called: Nemaline myopathy 8, autosomal recessive. Identifiers: Orphanet 171430, MedGen C3809209, MONDO:0014138, OMIM 615348.
Inborn genetic diseases. Identifiers: MedGen C0950123, MeSH D030342.

Allele frequency attached by ClinVar (database versions not stated): ExAC 0.00002; gnomAD 0.00002; gnomAD exomes 0.00003; TOPMed 0.00003.
gnomAD v4.1: 30 of 1,612,728 alleles (0.0019%); highest among the groups gnomAD compares: Admixed American, 0.0033%; no homozygotes.

Submissions (2):

Ambry Genetics
Classification: Uncertain significance for Inborn genetic diseases. Last evaluated: 2024-10-23. Review status: criteria provided, single submitter. Criteria: Ambry Variant Classification Scheme 2023. Collection method: clinical testing. Allele origin: germline.

Labcorp Genetics (formerly Invitae), Labcorp
Classification: Uncertain significance for Nemaline myopathy 8. Last evaluated: 2022-08-23. Review status: criteria provided, single submitter. Criteria: Invitae Variant Classification Sherloc (09022015). Collection method: clinical testing. Allele origin: germline.
Comment: This sequence change replaces arginine, which is basic and polar, with serine, which is neutral and polar, at codon 42 of the KLHL40 protein (p.Arg42Ser). This variant is present in population databases (rs763047874, gnomAD 0.005%). This variant has not been reported in the literature in individuals affected with KLHL40-related conditions. ClinVar contains an entry for this variant (Variation ID: 1413197). Algorithms developed to predict the effect of missense changes on protein structure and function are either unavailable or do not agree on the potential impact of this missense change (SIFT: "Deleterious"; PolyPhen-2: "Possibly Damaging"; Align-GVGD: "Class C0"). In summary, the available evidence is currently insufficient to determine the role of this variant in disease. Therefore, it has been classified as a Variant of Uncertain Significance.